The following is an entry in ClinVar:

NM_015898.4(ZBTB7A):c.996C>T (p.Ala332=)

Gene: ZBTB7A (zinc finger and BTB domain containing 7A; minus strand). Cytogenetic location: 19p13.3.
Variant type: single nucleotide variant.
Coding change: c.996C>T on transcript NM_015898.4 (MANE Select); coding-DNA position 996, C replaced by T.
Protein change: p.Ala332=; no amino-acid change (alanine 332 retained).
Molecular consequence: synonymous variant.
Genome position (GRCh38, 1-based): chr19:4,054,237, G>A on the plus strand (C>T on the coding strand, the complement: ZBTB7A is on the minus strand). VCF-style: chr19-4054237-G-A. GRCh37 (hg19) VCF-style: chr19-4054235-G-A.
Other names: c.996C>T, p.Ala332= (NM_001317990.2).
Identifiers: ClinVar variation 4979122 (VCV004979122.1).

ClinVar aggregate classification (germline): Likely benign (1 of 4 stars; one submission).

Conditions:
ZBTB7A-related disorder. Also called: ZBTB7A-related condition.

gnomAD v4.1: 95 of 1,582,406 alleles (0.006%); highest among the groups gnomAD compares: African/African-American, 0.098%; no homozygotes.

Submission:

PreventionGenetics, part of Exact Sciences
Classification: Likely benign for ZBTB7A-related condition. Last evaluated: 2025-03-08. Review status: criteria provided, single submitter. Criteria: ACMG Guidelines, 2015. Collection method: clinical testing. Allele origin: germline.
Comment: This variant is classified as likely benign based on ACMG/AMP sequence variant interpretation guidelines (Richards et al. 2015 PMID: 25741868, with internal and published modifications).